The following is an entry in ClinVar:

NM_033641.4(COL4A6):c.3900A>T (p.Gly1300=)

Gene: COL4A6 (collagen type IV alpha 6 chain; minus strand). Cytogenetic location: Xq22.3.
Variant type: single nucleotide variant.
Coding change: c.3900A>T on transcript NM_033641.4 (MANE Select); coding-DNA position 3900, A replaced by T.
Protein change: p.Gly1300=; no amino-acid change (glycine 1300 retained).
Molecular consequence: synonymous variant.
Genome position (GRCh38, 1-based): chrX:108,164,947, T>A on the plus strand (A>T on the coding strand, the complement: COL4A6 is on the minus strand). VCF-style: chrX-108164947-T-A. GRCh37 (hg19) VCF-style: chrX-107408177-T-A.
Other names: c.3951A>T, p.Gly1317= (NM_001287758.2); c.3828A>T, p.Gly1276= (NM_001287759.2, NM_001287760.2); c.3903A>T, p.Gly1301= (NM_001847.4).
Identifiers: ClinVar variation 2661163 (VCV002661163.24), dbSNP rs2521723177, ClinGen allele CA518101512.

ClinVar aggregate classification (germline): Likely benign (1 of 4 stars; one submission).

Submission:

CeGaT Center for Human Genetics Tuebingen
Classification: Likely benign. Last evaluated: 2024-03-01. Review status: criteria provided, single submitter. Criteria: CeGaT Center For Human Genetics Tuebingen Variant Classification Criteria Version 2. Collection method: clinical testing. Allele origin: germline. Affected: yes. Observed: 2 variant alleles.
Comment: COL4A6: PM2:Supporting, BP4, BP7